The following is an entry in ClinVar:

NM_173477.5(USH1G):c.273C>G (p.Ile91Met)

Gene: USH1G (USH1 protein network component sans; minus strand). Cytogenetic location: 17q25.1.
Variant type: single nucleotide variant.
Coding change: c.273C>G on transcript NM_173477.5 (MANE Select); coding-DNA position 273, C replaced by G.
Protein change: p.Ile91Met; replaces isoleucine 91 with methionine.
Molecular consequence: missense variant. On other transcripts: 5 prime UTR variant (1).
Genome position (GRCh38, 1-based): chr17:74,920,563, G>C on the plus strand (C>G on the coding strand, the complement: USH1G is on the minus strand). VCF-style: chr17-74920563-G-C. GRCh37 (hg19) VCF-style: chr17-72916658-G-C.
Other names: c.-37C>G (NM_001282489.3); short protein forms I91M.
Identifiers: ClinVar variation 946903 (VCV000946903.9), dbSNP rs2038931027, ClinGen allele CA400966244.
Genomic context (GRCh38, chr17:74,920,563, plus strand): 5'-CATGTGGCCCTTCATGGCAGCCATGTCCAGCGGCGTGTGGTAGTCGTTGTCTAGGCACCA[G>C]ATGTTGGCTCCGAAGGACACCAGGAAGGACAGGCAGTGCAAGTGGCCATTGGAAGCTGCC-3'
Protein context (NP_775748.2, residues 81-101): LSFLVSFGAN[Ile91Met]WCLDNDYHTP

ClinVar aggregate classification (germline): Uncertain significance (1 of 4 stars; one submission).

Submission:

Labcorp Genetics (formerly Invitae), Labcorp
Classification: Uncertain significance. Last evaluated: 2022-02-23. Review status: criteria provided, single submitter. Criteria: Invitae Variant Classification Sherloc (09022015). Collection method: clinical testing. Allele origin: germline.
Comment: This variant is not present in population databases (gnomAD no frequency). This sequence change replaces isoleucine, which is neutral and non-polar, with methionine, which is neutral and non-polar, at codon 91 of the USH1G protein (p.Ile91Met). In summary, the available evidence is currently insufficient to determine the role of this variant in disease. Therefore, it has been classified as a Variant of Uncertain Significance. Algorithms developed to predict the effect of missense changes on protein structure and function are either unavailable or do not agree on the potential impact of this missense change (SIFT: "Not Available"; PolyPhen-2: "Possibly Damaging"; Align-GVGD: "Not Available"). ClinVar contains an entry for this variant (Variation ID: 946903). This variant has not been reported in the literature in individuals affected with USH1G-related conditions.